The following is an entry in ClinVar:

NM_001370259.2(MEN1):c.1176G>A (p.Glu392=)

Gene: MEN1 (menin 1; minus strand). Cytogenetic location: 11q13.1.
Variant type: single nucleotide variant.
Coding change: c.1176G>A on transcript NM_001370259.2 (MANE Select); coding-DNA position 1176, G replaced by A.
Protein change: p.Glu392=; no amino-acid change (glutamic acid 392 retained).
Molecular consequence: synonymous variant. On other transcripts: non-coding transcript variant (4).
Genome position (GRCh38, 1-based): chr11:64,805,644, C>T on the plus strand (G>A on the coding strand, the complement: MEN1 is on the minus strand). VCF-style: chr11-64805644-C-T. GRCh37 (hg19) VCF-style: chr11-64573116-C-T.
Other names: c.1191G>A, p.Glu397= (NM_000244.4, NM_001407145.1, NM_130800.3 and 4 more transcripts); c.1302G>A, p.Glu434= (NM_001370251.2, NM_001407142.1, NM_001407143.1 and 1 more transcripts); c.1176G>A, p.Glu392= (NM_001370260.2, NM_001370261.2, NM_001407146.1 and 3 more transcripts); c.1071G>A, p.Glu357= (NM_001370262.2, NM_001370263.2, NM_001407148.1 and 1 more transcripts); c.1317G>A, p.Glu439= (NM_001407150.1); c.1197G>A, p.Glu399= (NM_001407151.1).
Identifiers: ClinVar variation 3773349 (VCV003773349.1).

ClinVar aggregate classification (germline): Benign (1 of 4 stars; one submission).

Conditions:
Multiple endocrine neoplasia, type 1 (MEN1). Also called: MEN I; WERMER SYNDROME; Endocrine adenomatosis multiple; MEN 1; MEA I. Identifiers: Orphanet 652, MedGen C0025267, MeSH D018761, MONDO:0007540, OMIM 131100.

Submission:

Myriad Genetics, Inc.
Classification: Benign for Multiple endocrine neoplasia, type 1. Last evaluated: 2024-11-04. Review status: criteria provided, single submitter. Criteria: Myriad Autosomal Dominant, Autosomal Recessive and X-Linked Classification Criteria (2023). Collection method: clinical testing. Allele origin: unknown.
Comment: This variant is considered benign. This variant is a silent/synonymous amino acid change and it is not expected to impact splicing.